The following is an entry in ClinVar:

NM_022168.4(IFIH1):c.934C>G (p.Gln312Glu)

Gene: IFIH1 (interferon induced with helicase C domain 1; minus strand). Cytogenetic location: 2q24.2.
Variant type: single nucleotide variant.
Coding change: c.934C>G on transcript NM_022168.4 (MANE Select); coding-DNA position 934, C replaced by G.
Protein change: p.Gln312Glu; replaces glutamine 312 with glutamic acid.
Molecular consequence: missense variant.
Genome position (GRCh38, 1-based): chr2:162,288,296, G>C on the plus strand (C>G on the coding strand, the complement: IFIH1 is on the minus strand). VCF-style: chr2-162288296-G-C. GRCh37 (hg19) VCF-style: chr2-163144806-G-C.
Other names: short protein forms Q312E.
Identifiers: ClinVar variation 3753639 (VCV003753639.2).

ClinVar aggregate classification (germline): Uncertain significance (1 of 4 stars; one submission).

Conditions:
Singleton-Merten syndrome 1 (SGMRT1). Also called: Syndrome of widened medullary cavities of the metacarpals and phalanges, aortic calcification and abnormal dentition; Widened medullary cavities of bone, aortic calcification, abnormal dentition, and muscular weakness. Identifiers: Orphanet 85191, MedGen C4225427, MONDO:0024535, OMIM 182250.
Aicardi-Goutieres syndrome 7 (AGS7). Identifiers: Orphanet 51, MedGen C3888244, MONDO:0014367, OMIM 615846.

Submission:

Labcorp Genetics (formerly Invitae), Labcorp
Classification: Uncertain significance for Aicardi-Goutieres syndrome 7; Singleton-Merten syndrome 1. Last evaluated: 2025-04-02. Review status: criteria provided, single submitter. Criteria: Invitae Variant Classification Sherloc (09022015). Collection method: clinical testing. Allele origin: germline.
Comment: This sequence change replaces glutamine, which is neutral and polar, with glutamic acid, which is acidic and polar, at codon 312 of the IFIH1 protein (p.Gln312Glu). This variant is not present in population databases (gnomAD no frequency). This variant has not been reported in the literature in individuals affected with IFIH1-related conditions. ClinVar contains an entry for this variant (Variation ID: 3753639). Invitae Evidence Modeling of protein sequence and biophysical properties (such as structural, functional, and spatial information, amino acid conservation, physicochemical variation, residue mobility, and thermodynamic stability) has been performed for this missense variant. However, the output from this modeling did not meet the statistical confidence thresholds required to predict the impact of this variant on IFIH1 protein function. In summary, the available evidence is currently insufficient to determine the role of this variant in disease. Therefore, it has been classified as a Variant of Uncertain Significance.